The following is an entry in ClinVar:

ClinVar aggregate classification (germline): Uncertain significance (1 of 4 stars; one submission).

Conditions:
Inborn genetic diseases. Identifiers: MedGen C0950123, MeSH D030342.

Submission:

Ambry Genetics
Classification: Uncertain significance for Inborn genetic diseases. Last evaluated: 2025-11-07. Review status: criteria provided, single submitter. Criteria: Ambry Variant Classification Scheme 2023. Collection method: clinical testing. Allele origin: germline.
Comment: The c.1146+4delA intronic variant is located 4 nucleotides after exon 14 (coding exon 9) of the FOXP1 gene. This variant consists of a deletion of one nucleotide at position c.1146+4. This variant was not reported in population-based cohorts in the Genome Aggregation Database (gnomAD). This nucleotide position is highly conserved in available vertebrate species. In silico splice site analysis predicts that this alteration will weaken the native splice donor site. Based on insufficient or conflicting evidence, the clinical significance of this alteration remains unclear.

NM_001349338.3(FOXP1):c.1146+4del

Gene: FOXP1 (forkhead box P1; minus strand). Cytogenetic location: 3p13.
Variant type: Deletion.
Coding change: c.1146+4del on transcript NM_001349338.3 (MANE Select); 4 bases into the intron after coding-DNA position 1146, one base deleted (A; older notation c.1146+4delA).
Molecular consequence: intron variant.
Genome position (GRCh38, 1-based): chr3:70,987,990, T deleted on the plus strand (A on the coding strand, the reverse complement: FOXP1 is on the minus strand); the first of 2 consecutive T bases (chr3:70,987,990-70,987,991); deleting either gives the same sequence. VCF-style (leftmost placement, unchanged base first): chr3-70987989-CT-C. GRCh37 (hg19) VCF-style: chr3-71037140-CT-C.
Other names: c.1146+4del (NM_001244810.2, NM_032682.6, NM_001349340.3 and 3 more transcripts); c.1143+4del (NM_001349341.3); c.918+4del (NM_001244812.3); c.843+4del (NM_001349343.3, NM_001349337.2, NM_001349344.3); c.846+4del (NM_001349342.3, NM_001370548.1, NM_001244815.2 and 1 more transcripts).
Identifiers: ClinVar variation 4620268 (VCV004620268.1).